The following is an entry in ClinVar:

ClinVar aggregate classification (germline): Uncertain significance (1 of 4 stars; one submission).

Submission:

Labcorp Genetics (formerly Invitae), Labcorp
Classification: Uncertain significance. Last evaluated: 2022-01-02. Review status: criteria provided, single submitter. Criteria: Invitae Variant Classification Sherloc (09022015). Collection method: clinical testing. Allele origin: germline.
Comment: This sequence change replaces isoleucine, which is neutral and non-polar, with threonine, which is neutral and polar, at codon 690 of the PITPNM3 protein (p.Ile690Thr). This variant is not present in population databases (gnomAD no frequency). This variant has not been reported in the literature in individuals affected with PITPNM3-related conditions. Algorithms developed to predict the effect of missense changes on protein structure and function are either unavailable or do not agree on the potential impact of this missense change (SIFT: "Deleterious"; PolyPhen-2: "Benign"; Align-GVGD: "Class C0"). In summary, the available evidence is currently insufficient to determine the role of this variant in disease. Therefore, it has been classified as a Variant of Uncertain Significance.

NM_031220.4(PITPNM3):c.2069T>C (p.Ile690Thr)

Gene: PITPNM3 (PITPNM family member 3; minus strand). Cytogenetic location: 17p13.2.
Variant type: single nucleotide variant.
Coding change: c.2069T>C on transcript NM_031220.4 (MANE Select); coding-DNA position 2069, T replaced by C.
Protein change: p.Ile690Thr; replaces isoleucine 690 with threonine.
Molecular consequence: missense variant.
Genome position (GRCh38, 1-based): chr17:6,464,257, A>G on the plus strand (T>C on the coding strand, the complement: PITPNM3 is on the minus strand). VCF-style: chr17-6464257-A-G. GRCh37 (hg19) VCF-style: chr17-6367577-A-G.
Other names: c.1961T>C, p.Ile654Thr (NM_001165966.2); short protein forms I690T, I654T.
Identifiers: ClinVar variation 1917368 (VCV001917368.5), dbSNP rs201992462, ClinGen allele CA397402988.